The following is an entry in ClinVar:

NM_025099.6(CTC1):c.1697C>G (p.Ser566Cys)

Gene: CTC1 (CST telomere replication complex component 1; minus strand). Cytogenetic location: 17p13.1.
Variant type: single nucleotide variant.
Coding change: c.1697C>G on transcript NM_025099.6 (MANE Select); coding-DNA position 1697, C replaced by G.
Protein change: p.Ser566Cys; replaces serine 566 with cysteine.
Molecular consequence: missense variant. On other transcripts: non-coding transcript variant (1).
Genome position (GRCh38, 1-based): chr17:8,234,576, G>C on the plus strand (C>G on the coding strand, the complement: CTC1 is on the minus strand). VCF-style: chr17-8234576-G-C. GRCh37 (hg19) VCF-style: chr17-8137894-G-C.
Other names: short protein forms S566C.
Identifiers: ClinVar variation 841896 (VCV000841896.9), dbSNP rs1351692819, ClinGen allele CA397983043.

ClinVar aggregate classification (germline): Uncertain significance. Review status: criteria provided, multiple submitters, no conflicts (2 of 4 stars). 2 submissions from 2 submitters: Uncertain significance (2). Last evaluated 2024-05-01.

Conditions:
Dyskeratosis congenita. Identifiers: Orphanet 1775, MedGen C0265965, MONDO:0015780.
Cerebroretinal microangiopathy with calcifications and cysts 1 (CRMCC1). Identifiers: Orphanet 313838, MedGen C4552029, MONDO:0024564, OMIM 612199.

Allele frequency attached by ClinVar (database versions not stated): TOPMed below 0.00001; gnomAD exomes 0.00001.

Submissions (2):

Fulgent Genetics
Classification: Uncertain significance for Cerebroretinal microangiopathy with calcifications and cysts 1. Last evaluated: 2024-05-01. Review status: criteria provided, single submitter. Criteria: ACMG Guidelines, 2015. Collection method: clinical testing. Allele origin: germline.

Labcorp Genetics (formerly Invitae), Labcorp
Classification: Uncertain significance for Dyskeratosis congenita. Last evaluated: 2022-12-15. Review status: criteria provided, single submitter. Criteria: Invitae Variant Classification Sherloc (09022015). Collection method: clinical testing. Allele origin: germline.
Comment: This sequence change replaces serine, which is neutral and polar, with cysteine, which is neutral and slightly polar, at codon 566 of the CTC1 protein (p.Ser566Cys). This variant is present in population databases (no rsID available, gnomAD 0.002%). This variant has not been reported in the literature in individuals affected with CTC1-related conditions. ClinVar contains an entry for this variant (Variation ID: 841896). Advanced modeling of protein sequence and biophysical properties (such as structural, functional, and spatial information, amino acid conservation, physicochemical variation, residue mobility, and thermodynamic stability) performed at Invitae indicates that this missense variant is not expected to disrupt CTC1 protein function. In summary, the available evidence is currently insufficient to determine the role of this variant in disease. Therefore, it has been classified as a Variant of Uncertain Significance.